The following is an entry in ClinVar:

NM_015295.3(SMCHD1):c.2459-2_2465dup

Gene: SMCHD1 (structural maintenance of chromosomes flexible hinge domain containing 1; plus strand). Cytogenetic location: 18p11.32.
Variant type: Duplication.
Coding change: c.2459-2_2465dup on transcript NM_015295.3 (MANE Select); the canonical splice acceptor site of the intron before coding-DNA position 2459 through coding-DNA position 2465, 9 bases duplicated (AGAGGGTAA; older notation c.2459-2_2465dupAGAGGGTAA).
Molecular consequence: splice acceptor variant.
Genome position (GRCh38, 1-based): chr18:2,722,517-2,722,525, AGAGGGTAA duplicated; duplicating any 9 consecutive bases within chr18:2,722,514-2,722,525 gives the same sequence; the c. name uses the placement nearest the transcript's 3' end. VCF-style (leftmost placement, unchanged base first): chr18-2722513-T-TTAAAGAGGG. GRCh37 (hg19) VCF-style: chr18-2722511-T-TTAAAGAGGG.
Identifiers: ClinVar variation 4722976 (VCV004722976.1).
Genomic context (GRCh38, chr18:2,722,513, plus strand): 5'-TTTGACCCCCAATGGCTTTTCTGACCAATGTACTTGCTTTTCATTTCATTTTTGTTTTTG[T>TTAAAGAGGG]TAAAGAGGGTAAGCCAGAGAAATTTTCATTTGGTCTTCTGGATCTTCCTTTTCGTGTTGG-3'

ClinVar aggregate classification (germline): Uncertain significance (1 of 4 stars; one submission).

Conditions:
Facioscapulohumeral muscular dystrophy 2 (FSHD2). Also called: FACIOSCAPULOHUMERAL MUSCULAR DYSTROPHY 2, DIGENIC; FSHD2, DIGENIC; MUSCULAR DYSTROPHY, FACIOSCAPULOHUMERAL, TYPE 1B. Identifiers: Orphanet 269, MedGen C1834671, MONDO:0008031, OMIM 158901.

Submission:

Labcorp Genetics (formerly Invitae), Labcorp
Classification: Uncertain significance for Facioscapulohumeral muscular dystrophy 2. Last evaluated: 2025-07-09. Review status: criteria provided, single submitter. Criteria: Invitae Variant Classification Sherloc (09022015). Collection method: clinical testing. Allele origin: germline.
Comment: This sequence change falls in intron 19 of the SMCHD1 gene. It does not directly change the encoded amino acid sequence of the SMCHD1 protein. This variant is not present in population databases (gnomAD no frequency). This variant has not been reported in the literature in individuals affected with SMCHD1-related conditions. This variant is also known as p.Glu820_Lys822dup. In summary, the available evidence is currently insufficient to determine the role of this variant in disease. Therefore, it has been classified as a Variant of Uncertain Significance.